The following is an entry in ClinVar:

NM_000297.4(PKD2):c.239C>A (p.Ser80Ter)

Genes: PKD2 (polycystin 2, transient receptor potential cation channel; plus strand), LOC129992813 (ATAC-STARR-seq lymphoblastoid silent region 15559; plus strand). Cytogenetic location: 4q22.1.
Variant type: single nucleotide variant.
Coding change: c.239C>A on transcript NM_000297.4 (MANE Select); coding-DNA position 239, C replaced by A.
Protein change: p.Ser80Ter; replaces serine 80 with a stop codon.
Molecular consequence: nonsense. On other transcripts: non-coding transcript variant (1).
Genome position (GRCh38, 1-based): chr4:88,007,972, C>A. VCF-style: chr4-88007972-C-A. GRCh37 (hg19) VCF-style: chr4-88929124-C-A.
Other names: c.239C>A, p.Ser80Ter (NM_001440544.1); short protein forms S80*.
Identifiers: ClinVar variation 4531948 (VCV004531948.1).

ClinVar aggregate classification (germline): Pathogenic (1 of 4 stars; one submission).

Conditions:
Polycystic kidney disease 2 (PKD2). Also called: POLYCYSTIC KIDNEY DISEASE, ADULT, TYPE II; Polycystic Kidney Disease 2, Autosomal Dominant; POLYCYSTIC KIDNEY DISEASE 2 WITH OR WITHOUT POLYCYSTIC LIVER DISEASE. Identifiers: MedGen C2751306, MONDO:0013131, OMIM 613095.

gnomAD v4.1: 1 of 1,503,598 alleles (0.000067%); highest among the groups gnomAD compares: Admixed American, 0.0021%; no homozygotes.

Submission:

Victorian Clinical Genetics Services, Murdoch Childrens Research Institute
Classification: Pathogenic for Polycystic kidney disease 2. Last evaluated: 2025-06-25. Review status: criteria provided, single submitter. Criteria: ACMG Guidelines, 2015. Collection method: clinical testing. Allele origin: germline. Affected: yes.
Comment: This variant is classified as Pathogenic. Evidence in support of pathogenic classification: Variant is predicted to cause nonsense-mediated decay (NMD) and loss of protein (premature termination codon is located at least 54 nucleotides upstream of the final exon-exon junction); Variant is present in gnomAD <0.001 for a dominant condition (v4 1 heterozygote(s), 0 homozygote(s)); This variant has limited previous evidence of pathogenicity in unrelated individuals. This variant has been reported in the literature in two affected individuals (PMID: 31740684, PMID: 29520754); Other NMD-predicted variants comparable to the one identified in this case have very strong previous evidence for pathogenicity (DECIPHER). Additional information: This variant is heterozygous; This gene is associated with autosomal dominant disease; No published segregation evidence has been identified for this variant; No published functional evidence has been identified for this variant; Loss of function is a known mechanism of disease in this gene and is associated with polycystic kidney disease 2 (MIM#613095); Inheritance information for this variant is not currently available in this individual.

Literature cited by the submitters: PubMed 31740684; PubMed 29520754.